The following is an entry in ClinVar:

ClinVar aggregate classification (germline): Conflicting classifications of pathogenicity. Review status: criteria provided, conflicting classifications (1 of 4 stars). 6 submissions from 6 submitters: Uncertain significance (5); Likely benign (1). Last evaluated 2025-09-23.

Conditions:
Nephrotic syndrome 15. Identifiers: MedGen C4539896, MONDO:0033262, OMIM 617609.

Allele frequency attached by ClinVar (database versions not stated): gnomAD exomes 0.00006; ExAC 0.00026; gnomAD 0.00049 and 0.00056; TOPMed 0.00064.
gnomAD v4.1: 155 of 1,461,506 alleles (0.011%); highest among the groups gnomAD compares: African/African-American, 0.21%; 2 homozygotes.

Submissions (6):

GeneDx
Classification: Uncertain significance. Last evaluated: 2025-09-23. Review status: criteria provided, single submitter. Criteria: GeneDx Variant Classification Process June 2021. Collection method: clinical testing. Allele origin: germline.
Comment: In silico analysis suggests that this missense variant does not alter protein structure/function; Has not been previously published as pathogenic or benign in association with MAGI2-related disorders to our knowledge; This variant is associated with the following publications: (PMID: 33671795)

Ambry Genetics
Classification: Uncertain significance. Last evaluated: 2025-01-21. Review status: criteria provided, single submitter. Criteria: Ambry Variant Classification Scheme 2023. Collection method: clinical testing. Allele origin: germline.

Blueprint Genetics
Classification: Uncertain significance. Last evaluated: 2024-10-30. Review status: criteria provided, single submitter. Criteria: ACMG Guidelines, 2015. Collection method: clinical testing. Allele origin: germline.

Fulgent Genetics
Classification: Likely benign for Nephrotic syndrome 15. Last evaluated: 2024-02-17. Review status: criteria provided, single submitter. Criteria: ACMG Guidelines, 2015. Collection method: clinical testing. Allele origin: germline.

Labcorp Genetics (formerly Invitae), Labcorp
Classification: Uncertain significance. Last evaluated: 2022-05-24. Review status: criteria provided, single submitter. Criteria: Invitae Variant Classification Sherloc (09022015). Collection method: clinical testing. Allele origin: germline.
Comment: This sequence change replaces glycine, which is neutral and non-polar, with valine, which is neutral and non-polar, at codon 1334 of the MAGI2 protein (p.Gly1334Val). This variant is present in population databases (rs773082728, gnomAD 0.2%). This variant has not been reported in the literature in individuals affected with MAGI2-related conditions. ClinVar contains an entry for this variant (Variation ID: 594574). Algorithms developed to predict the effect of missense changes on protein structure and function are either unavailable or do not agree on the potential impact of this missense change (SIFT: "Deleterious"; PolyPhen-2: "Benign"; Align-GVGD: "Class C0"). In summary, the available evidence is currently insufficient to determine the role of this variant in disease. Therefore, it has been classified as a Variant of Uncertain Significance.

Eurofins Ntd Llc (ga)
Classification: Uncertain significance. Last evaluated: 2017-10-30. Review status: criteria provided, single submitter. Criteria: EGL Classification Definitions 2015. Collection method: clinical testing. Allele origin: germline. Observed: 1 variant allele, 1 heterozygote.

NM_012301.4(MAGI2):c.4001G>T (p.Gly1334Val)

Genes: MAGI2 (membrane associated guanylate kinase, WW and PDZ domain containing 2; minus strand), LOC129998720 (ATAC-STARR-seq lymphoblastoid silent region 18332; plus strand). Cytogenetic location: 7q21.11.
Variant type: single nucleotide variant.
Coding change: c.4001G>T on transcript NM_012301.4 (MANE Select); coding-DNA position 4001, G replaced by T.
Protein change: p.Gly1334Val; replaces glycine 1334 with valine.
Molecular consequence: missense variant.
Genome position (GRCh38, 1-based): chr7:78,019,682, C>A on the plus strand (G>T on the coding strand, the complement: MAGI2 is on the minus strand). VCF-style: chr7-78019682-C-A. GRCh37 (hg19) VCF-style: chr7-77648999-C-A.
Other names: c.3959G>T, p.Gly1320Val (NM_001301128.2); short protein forms G1334V, G1320V.
Identifiers: ClinVar variation 594574 (VCV000594574.13), dbSNP rs773082728, ClinGen allele CA4313332.